The following is an entry in ClinVar:

ClinVar aggregate classification (germline): Uncertain significance (1 of 4 stars; one submission).

gnomAD v4.1: 1 of 1,613,794 alleles (0.000062%); highest among the groups gnomAD compares: Non-Finnish European, 0.000085%; no homozygotes.

Submission:

Ambry Genetics
Classification: Uncertain significance. Last evaluated: 2021-09-20. Review status: criteria provided, single submitter. Criteria: Ambry Variant Classification Scheme 2023. Collection method: clinical testing. Allele origin: germline.
Comment: The p.D1320G variant (also known as c.3959A>G), located in coding exon 16 of the POLQ gene, results from an A to G substitution at nucleotide position 3959. The aspartic acid at codon 1320 is replaced by glycine, an amino acid with similar properties. This amino acid position is conserved. In addition, this alteration is predicted to be tolerated by in silico analysis. Since supporting evidence is limited at this time, the clinical significance of this alteration remains unclear.

NM_199420.4(POLQ):c.3959A>G (p.Asp1320Gly)

Gene: POLQ (DNA polymerase theta; minus strand). Cytogenetic location: 3q13.33.
Variant type: single nucleotide variant.
Coding change: c.3959A>G on transcript NM_199420.4 (MANE Select); coding-DNA position 3959, A replaced by G.
Protein change: p.Asp1320Gly; replaces aspartic acid 1320 with glycine.
Molecular consequence: missense variant.
Genome position (GRCh38, 1-based): chr3:121,488,972, T>C on the plus strand (A>G on the coding strand, the complement: POLQ is on the minus strand). VCF-style: chr3-121488972-T-C. GRCh37 (hg19) VCF-style: chr3-121207819-T-C.
Other names: short protein forms D1320G.
Identifiers: ClinVar variation 1736486 (VCV001736486.2), dbSNP rs2048039039, ClinGen allele CA354096552.